The following is an entry in ClinVar:

ClinVar aggregate classification (germline): Uncertain significance (1 of 4 stars; one submission).

Conditions:
Distal myopathy with posterior leg and anterior hand involvement. Also called: WILLIAMS DISTAL MYOPATHY. Identifiers: Orphanet 63273, MedGen C3279722, MONDO:0013550, OMIM 614065.
Myofibrillar myopathy 5. Also called: Filaminopathy (type); FILAMINOPATHY, AUTOSOMAL DOMINANT. Identifiers: Orphanet 171445, MedGen C1836050, MONDO:0012289, OMIM 609524.
Hypertrophic cardiomyopathy 26. Also called: Cardiomyopathy, familial hypertrophic, 26. Identifiers: Orphanet 75249, MedGen C4310749, MONDO:0014883, OMIM 617047.

Allele frequency attached by ClinVar (database versions not stated): gnomAD exomes below 0.00001; TOPMed below 0.00001.
gnomAD v4.1: 3 of 1,613,300 alleles (0.00019%); highest among the groups gnomAD compares: Middle Eastern, 0.016%; no homozygotes.

Submission:

Labcorp Genetics (formerly Invitae), Labcorp
Classification: Uncertain significance for Distal myopathy with posterior leg and anterior hand involvement; Myofibrillar myopathy 5; Hypertrophic cardiomyopathy 26. Last evaluated: 2022-12-02. Review status: criteria provided, single submitter. Criteria: Invitae Variant Classification Sherloc (09022015). Collection method: clinical testing. Allele origin: germline.
Comment: This sequence change replaces threonine, which is neutral and polar, with isoleucine, which is neutral and non-polar, at codon 1970 of the FLNC protein (p.Thr1970Ile). This variant is not present in population databases (gnomAD no frequency). This missense change has been observed in individual(s) with clinical features of FLNC-related conditions (Invitae). ClinVar contains an entry for this variant (Variation ID: 572102). Advanced modeling of protein sequence and biophysical properties (such as structural, functional, and spatial information, amino acid conservation, physicochemical variation, residue mobility, and thermodynamic stability) has been performed at Invitae for this missense variant, however the output from this modeling did not meet the statistical confidence thresholds required to predict the impact of this variant on FLNC protein function. In summary, the available evidence is currently insufficient to determine the role of this variant in disease. Therefore, it has been classified as a Variant of Uncertain Significance.

NM_001458.5(FLNC):c.5909C>T (p.Thr1970Ile)

Genes: FLNC (filamin C; plus strand), FLNC-AS1 (FLNC antisense RNA 1; minus strand). Cytogenetic location: 7q32.1.
Variant type: single nucleotide variant.
Coding change: c.5909C>T on transcript NM_001458.5 (MANE Select); coding-DNA position 5909, C replaced by T.
Protein change: p.Thr1970Ile; replaces threonine 1970 with isoleucine.
Molecular consequence: missense variant.
Genome position (GRCh38, 1-based): chr7:128,852,657, C>T. VCF-style: chr7-128852657-C-T. GRCh37 (hg19) VCF-style: chr7-128492711-C-T.
Other names: c.5810C>T, p.Thr1937Ile (NM_001127487.2); short protein forms T1970I, T1937I.
Identifiers: ClinVar variation 572102 (VCV000572102.7), dbSNP rs1563002254, ClinGen allele CA369209117.